The following is an entry in ClinVar:

NM_001165963.4(SCN1A):c.4002+2544G>C

Genes: SCN1A (sodium voltage-gated channel alpha subunit 1; minus strand), LOC102724058 (uncharacterized LOC102724058; plus strand). Cytogenetic location: 2q24.3.
Variant type: single nucleotide variant.
Coding change: c.4002+2544G>C on transcript NM_001165963.4 (MANE Select); 2544 bases into the intron after coding-DNA position 4002, G replaced by C.
Molecular consequence: intron variant.
Genome position (GRCh38, 1-based): chr2:166,007,175, C>G on the plus strand (G>C on the coding strand, the complement: SCN1A is on the minus strand). VCF-style: chr2-166007175-C-G. GRCh37 (hg19) VCF-style: chr2-166863685-C-G.
Other names: c.3969+2544G>C (NM_001353949.2, NM_001353950.2, NM_001353951.2 and 2 more transcripts); c.3918+2544G>C (NM_001353958.2, NM_001353957.2, NM_001165964.3); c.4002+2544G>C (NM_001202435.3, NM_001353948.2); c.3966+2544G>C (NM_001353955.2, NM_001353954.2); c.3915+2544G>C (NM_001353960.2); c.1560+2544G>C (NM_001353961.2).
Identifiers: ClinVar variation 3010692 (VCV003010692.3), dbSNP rs2468470745, ClinGen allele CA2740095831.
Genomic context (GRCh38, chr2:166,007,175, plus strand): 5'-AATGTATTTTCCCTACTGTGGTGCAATAATAGTACCCTTCCCAATCCCTCCCTCACCCCA[C>G]TACACATAAGTCACAGTGCAAGGATTAAAGGTAGCAAAAGGGGTAATACAGTACCCATAA-3'

ClinVar aggregate classification (germline): Uncertain significance (1 of 4 stars; one submission).

Conditions:
Early-infantile DEE. Also called: Early infantile epileptic encephalopathy; Ohtahara syndrome; Early infantile epileptic encephalopathy with suppression bursts. Identifiers: Orphanet 1934, MedGen C0393706, MONDO:0800491.

Submission:

Labcorp Genetics (formerly Invitae), Labcorp
Classification: Uncertain significance for Early-infantile DEE. Last evaluated: 2024-05-15. Review status: criteria provided, single submitter. Criteria: Invitae Variant Classification Sherloc (09022015). Collection method: clinical testing. Allele origin: germline.
Comment: This sequence change falls in intron 20 of the SCN1A gene. It does not directly change the encoded amino acid sequence of the SCN1A protein. However, this sequence change falls within a region encompassing a cryptic exon in the SCN1A gene, in which variants have been shown to alter splicing (PMID: 30526861, 34107977). This variant is not present in population databases (gnomAD no frequency). This variant has not been reported in the literature in individuals affected with SCN1A-related conditions. Algorithms developed to predict the effect of sequence changes on RNA splicing suggest that this variant is not likely to affect RNA splicing. In summary, the available evidence is currently insufficient to determine the role of this variant in disease. Therefore, it has been classified as a Variant of Uncertain Significance.

Literature cited by the submitters: PubMed 30526861; PubMed 34107977.